The following is an entry in ClinVar:

NM_024079.5(ALG8):c.482T>C (p.Ile161Thr)

Gene: ALG8 (ALG8 alpha-1,3-glucosyltransferase; minus strand). Cytogenetic location: 11q14.1.
Variant type: single nucleotide variant.
Coding change: c.482T>C on transcript NM_024079.5 (MANE Select); coding-DNA position 482, T replaced by C.
Protein change: p.Ile161Thr; replaces isoleucine 161 with threonine.
Molecular consequence: missense variant.
Genome position (GRCh38, 1-based): chr11:78,119,246, A>G on the plus strand (T>C on the coding strand, the complement: ALG8 is on the minus strand). VCF-style: chr11-78119246-A-G. GRCh37 (hg19) VCF-style: chr11-77830292-A-G.
Other names: c.482T>C, p.Ile161Thr (NM_001007027.3, NM_001425221.1, NM_001425222.1 and 13 more transcripts); c.485T>C, p.Ile162Thr (NM_001425219.1); c.467T>C, p.Ile156Thr (NM_001425220.1); c.329T>C, p.Ile110Thr (NM_001425226.1, NM_001425235.1, NM_001425236.1); c.281T>C, p.Ile94Thr (NM_001425231.1); c.218T>C, p.Ile73Thr (NM_001425234.1, NM_001425239.1); c.-35T>C (NM_001425241.1); c.-69T>C (NM_001425242.1); and 1 more; short protein forms I73T, I156T, I94T, I110T, I161T, I162T.
Identifiers: ClinVar variation 2887197 (VCV002887197.5), dbSNP rs373493408, ClinGen allele CA6203453.

ClinVar aggregate classification (germline): Uncertain significance. Review status: criteria provided, multiple submitters, no conflicts (2 of 4 stars). 2 submissions from 2 submitters: Uncertain significance (2). Last evaluated 2025-03-24.

Conditions:
Inborn genetic diseases. Identifiers: MedGen C0950123, MeSH D030342.
ALG8 congenital disorder of glycosylation. Also called: CDG Ih; ALG8-CDG; CONGENITAL DISORDER OF GLYCOSYLATION, TYPE Ih. Identifiers: Orphanet 79325, MedGen C2931002, MONDO:0011969, OMIM 608104.

Allele frequency attached by ClinVar (database versions not stated): gnomAD exomes 0.00002; gnomAD 0.00003; TOPMed 0.00007; ESP Exome Variant Server 0.00008; ExAC 0.00009.
gnomAD v4.1: 33 of 1,610,040 alleles (0.002%); highest among the groups gnomAD compares: East Asian, 0.04%; no homozygotes.

Submissions (2):

Ambry Genetics
Classification: Uncertain significance for Inborn genetic diseases. Last evaluated: 2025-03-24. Review status: criteria provided, single submitter. Criteria: Ambry Variant Classification Scheme 2023. Collection method: clinical testing. Allele origin: germline.

Labcorp Genetics (formerly Invitae), Labcorp
Classification: Uncertain significance for ALG8 congenital disorder of glycosylation. Last evaluated: 2023-03-19. Review status: criteria provided, single submitter. Criteria: Invitae Variant Classification Sherloc (09022015). Collection method: clinical testing. Allele origin: germline.
Comment: This sequence change replaces isoleucine, which is neutral and non-polar, with threonine, which is neutral and polar, at codon 161 of the ALG8 protein (p.Ile161Thr). This variant is present in population databases (rs373493408, gnomAD 0.1%). This variant has not been reported in the literature in individuals affected with ALG8-related conditions. Advanced modeling of protein sequence and biophysical properties (such as structural, functional, and spatial information, amino acid conservation, physicochemical variation, residue mobility, and thermodynamic stability) performed at Invitae indicates that this missense variant is expected to disrupt ALG8 protein function. In summary, the available evidence is currently insufficient to determine the role of this variant in disease. Therefore, it has been classified as a Variant of Uncertain Significance.

Literature cited by the submitters: PubMed 35778421 (cited by Ambry Genetics).